The following is an entry in ClinVar:

NM_013247.5(HTRA2):c.544G>A (p.Gly182Ser)

Genes: HTRA2 (HtrA serine peptidase 2; plus strand), LOC129934141 (ATAC-STARR-seq lymphoblastoid active region 16073; plus strand). Cytogenetic location: 2p13.1.
Variant type: single nucleotide variant.
Coding change: c.544G>A on transcript NM_013247.5 (MANE Select); coding-DNA position 544, G replaced by A.
Protein change: p.Gly182Ser; replaces glycine 182 with serine.
Molecular consequence: missense variant. On other transcripts: non-coding transcript variant (4).
Genome position (GRCh38, 1-based): chr2:74,530,654, G>A. VCF-style: chr2-74530654-G-A. GRCh37 (hg19) VCF-style: chr2-74757781-G-A.
Other names: c.544G>A, p.Gly182Ser (NM_001321727.1, NM_001321728.1, NM_145074.2); short protein forms G182S.
Identifiers: ClinVar variation 5020468 (VCV005020468.1).

ClinVar aggregate classification (germline): Uncertain significance (1 of 4 stars; one submission).

Submission:

Dasa
Classification: Uncertain significance. Last evaluated: 2026-05-27. Review status: criteria provided, single submitter. Criteria: DASA Assertion Criteria. Collection method: clinical testing. Allele origin: germline.
Comment: NM_013247.5(HTRA2):c.544G>A (p.Gly182Ser) is a missense variant that results in the substitution of glycine with serine. This variant is absent from population databases. Computational prediction algorithms are consistent with a deleterious effect. The currently available literature and clinical evidence are not sufficient to establish a definitive association between this variant and the reported condition. Therefore, this variant is classified as a variant of uncertain significance.